The following is an entry in ClinVar:

ClinVar aggregate classification (germline): Uncertain significance. Review status: criteria provided, multiple submitters, no conflicts (2 of 4 stars). 2 submissions from 2 submitters: Uncertain significance (2). Last evaluated 2026-03-12.

Conditions:
Familial thoracic aortic aneurysm and aortic dissection (TAAD). Also called: Thoracic aortic aneurysms and dissections. Identifiers: Orphanet 91387, MedGen C4707243, MONDO:0019625.
Congenital contractural arachnodactyly (CCA). Also called: Beals-Hecht syndrome; Arthrogryposis, distal, type 9; BEALS SYNDROME. Identifiers: Orphanet 115, MedGen C0220668, MONDO:0007363, OMIM 121050.

Submissions (2):

Ambry Genetics
Classification: Uncertain significance for Familial thoracic aortic aneurysm and aortic dissection. Last evaluated: 2026-03-12. Review status: criteria provided, single submitter. Criteria: Ambry Variant Classification Scheme 2023. Collection method: clinical testing. Allele origin: germline.
Comment: The p.G2011S variant (also known as c.6031G>A), located in coding exon 47 of the FBN2 gene, results from a G to A substitution at nucleotide position 6031. The glycine at codon 2011 is replaced by serine, an amino acid with similar properties. This amino acid position is conserved. In addition, the in silico prediction for this alteration is inconclusive. Based on the available evidence, the clinical significance of this variant remains unclear.

Labcorp Genetics (formerly Invitae), Labcorp
Classification: Uncertain significance for Congenital contractural arachnodactyly. Last evaluated: 2024-01-29. Review status: criteria provided, single submitter. Criteria: Invitae Variant Classification Sherloc (09022015). Collection method: clinical testing. Allele origin: germline.
Comment: This sequence change replaces glycine, which is neutral and non-polar, with serine, which is neutral and polar, at codon 2011 of the FBN2 protein (p.Gly2011Ser). This variant is not present in population databases (gnomAD no frequency). This variant has not been reported in the literature in individuals affected with FBN2-related conditions. ClinVar contains an entry for this variant (Variation ID: 1968093). Advanced modeling of protein sequence and biophysical properties (such as structural, functional, and spatial information, amino acid conservation, physicochemical variation, residue mobility, and thermodynamic stability) performed at Invitae indicates that this missense variant is not expected to disrupt FBN2 protein function with a negative predictive value of 80%. In summary, the available evidence is currently insufficient to determine the role of this variant in disease. Therefore, it has been classified as a Variant of Uncertain Significance.

NM_001999.4(FBN2):c.6031G>A (p.Gly2011Ser)

Gene: FBN2 (fibrillin 2; minus strand). Cytogenetic location: 5q23.3.
Variant type: single nucleotide variant.
Coding change: c.6031G>A on transcript NM_001999.4 (MANE Select); coding-DNA position 6031, G replaced by A.
Protein change: p.Gly2011Ser; replaces glycine 2011 with serine.
Molecular consequence: missense variant.
Genome position (GRCh38, 1-based): chr5:128,301,397, C>T on the plus strand (G>A on the coding strand, the complement: FBN2 is on the minus strand). VCF-style: chr5-128301397-C-T. GRCh37 (hg19) VCF-style: chr5-127637089-C-T.
Other names: c.6031G>A (NM_001999.3); short protein forms G2011S.
Identifiers: ClinVar variation 1968093 (VCV001968093.6), dbSNP rs2479713207, ClinGen allele CA360766678.